The following is an entry in ClinVar:

NM_006266.4(RALGDS):c.1414-7G>A

Gene: RALGDS (ral guanine nucleotide dissociation stimulator; minus strand). Cytogenetic location: 9q34.2.
Variant type: single nucleotide variant.
Coding change: c.1414-7G>A on transcript NM_006266.4 (MANE Select); 7 bases into the intron before coding-DNA position 1414, G replaced by A.
Molecular consequence: intron variant.
Genome position (GRCh38, 1-based): chr9:133,106,755, C>T on the plus strand (G>A on the coding strand, the complement: RALGDS is on the minus strand). VCF-style: chr9-133106755-C-T. GRCh37 (hg19) VCF-style: chr9-135982142-C-T.
Other names: c.1249-7G>A (NM_001042368.3); c.1327-7G>A (NM_001271774.2); c.1411-7G>A (NM_001271775.2); c.1378-7G>A (NM_001271776.2).
Identifiers: ClinVar variation 810459 (VCV000810459.43), dbSNP rs187420525, ClinGen allele CA5304438.

ClinVar aggregate classification (germline): Likely benign. Review status: criteria provided, multiple submitters, no conflicts (2 of 4 stars). 2 submissions from 2 submitters: Likely benign (2). Last evaluated 2024-11-22.

Allele frequency attached by ClinVar (database versions not stated): 1000 Genomes Project 30x 0.00078; ESP Exome Variant Server 0.00092; gnomAD 0.00099 and 0.00101; 1000 Genomes Project 0.00100; gnomAD exomes 0.00107; TOPMed 0.00122; ExAC 0.00123.
gnomAD v4.1: 1,561 of 1,599,630 alleles (0.098%); highest among the groups gnomAD compares: Admixed American, 0.26%; 2 homozygotes.

Submissions (2):

Blueprint Genetics
Classification: Likely benign. Last evaluated: 2024-11-22. Review status: criteria provided, single submitter. Criteria: ACMG Guidelines, 2015. Collection method: clinical testing. Allele origin: germline.

CeGaT Center for Human Genetics Tuebingen
Classification: Likely benign. Last evaluated: 2023-10-01. Review status: criteria provided, single submitter. Criteria: CeGaT Center For Human Genetics Tuebingen Variant Classification Criteria Version 2. Collection method: clinical testing. Allele origin: germline. Affected: yes. Observed: 2 variant alleles.
Comment: RALGDS: BP4